The following is an entry in ClinVar:

ClinVar aggregate classification (germline): Uncertain significance (1 of 4 stars; one submission).

Conditions:
Baller-Gerold syndrome (BGS). Also called: CRANIOSYNOSTOSIS WITH RADIAL DEFECTS. Identifiers: Orphanet 1225, MedGen C0265308, MONDO:0009039, OMIM 218600.

gnomAD v4.1: 5 of 1,612,588 alleles (0.00031%); highest among the groups gnomAD compares: Non-Finnish European, 0.00042%; no homozygotes.

Submission:

Labcorp Genetics (formerly Invitae), Labcorp
Classification: Uncertain significance for Baller-Gerold syndrome. Last evaluated: 2024-05-14. Review status: criteria provided, single submitter. Criteria: Invitae Variant Classification Sherloc (09022015). Collection method: clinical testing. Allele origin: germline.
Comment: This sequence change replaces alanine, which is neutral and non-polar, with serine, which is neutral and polar, at codon 1194 of the RECQL4 protein (p.Ala1194Ser). This variant is present in population databases (rs201809411, gnomAD 0.0009%). This variant has not been reported in the literature in individuals affected with RECQL4-related conditions. ClinVar contains an entry for this variant (Variation ID: 1042606). Advanced modeling of protein sequence and biophysical properties (such as structural, functional, and spatial information, amino acid conservation, physicochemical variation, residue mobility, and thermodynamic stability) performed at Invitae indicates that this missense variant is not expected to disrupt RECQL4 protein function with a negative predictive value of 80%. In summary, the available evidence is currently insufficient to determine the role of this variant in disease. Therefore, it has been classified as a Variant of Uncertain Significance.

NM_004260.4(RECQL4):c.3580G>T (p.Ala1194Ser)

Gene: RECQL4 (RecQ like helicase 4; minus strand). Cytogenetic location: 8q24.3.
Variant type: single nucleotide variant.
Coding change: c.3580G>T on transcript NM_004260.4 (MANE Select); coding-DNA position 3580, G replaced by T.
Protein change: p.Ala1194Ser; replaces alanine 1194 with serine.
Molecular consequence: missense variant.
Genome position (GRCh38, 1-based): chr8:144,511,478, C>A on the plus strand (G>T on the coding strand, the complement: RECQL4 is on the minus strand). VCF-style: chr8-144511478-C-A. GRCh37 (hg19) VCF-style: chr8-145736861-C-A.
Other names: short protein forms A1194S.
Identifiers: ClinVar variation 1042606 (VCV001042606.5), dbSNP rs201809411, ClinGen allele CA4947638.